The following is an entry in ClinVar:

NM_001267550.2(TTN):c.54685G>A (p.Val18229Met)

Genes: TTN (titin; minus strand), TTN-AS1 (TTN antisense RNA 1; plus strand). Cytogenetic location: 2q31.2.
Variant type: single nucleotide variant.
Coding change: c.54685G>A on transcript NM_001267550.2 (MANE Select); coding-DNA position 54685, G replaced by A.
Protein change: p.Val18229Met; replaces valine 18229 with methionine.
Molecular consequence: missense variant.
Genome position (GRCh38, 1-based): chr2:178,604,002, C>T on the plus strand (G>A on the coding strand, the complement: TTN is on the minus strand). VCF-style: chr2-178604002-C-T. GRCh37 (hg19) VCF-style: chr2-179468729-C-T.
Other names: c.46981G>A, p.Val15661Met (NM_133378.4); c.49762G>A, p.Val16588Met (NM_001256850.1); c.27490G>A, p.Val9164Met (NM_003319.4); c.27865G>A, p.Val9289Met (NM_133432.3); c.28066G>A, p.Val9356Met (NM_133437.4); short protein forms V18229M, V15661M, V16588M, V9164M, V9356M, V9289M.
Identifiers: ClinVar variation 47093 (VCV000047093.22), dbSNP rs116142642, ClinGen allele CA139984.

ClinVar aggregate classification (germline): Conflicting classifications of pathogenicity. Review status: criteria provided, conflicting classifications (1 of 4 stars). 15 submissions from 11 submitters: Uncertain significance (9); Benign (2); Likely benign (2). 2 of the submissions do not count toward it. Last evaluated 2026-07-01.

Conditions:
Cardiovascular phenotype. Identifiers: MedGen CN230736.
Autosomal recessive limb-girdle muscular dystrophy type 2J (LGMDR10). Also called: MUSCULAR DYSTROPHY, LIMB-GIRDLE, AUTOSOMAL RECESSIVE 10; Limb-girdle muscular dystrophy, type 2J. Identifiers: Orphanet 140922, MedGen C1837342, MONDO:0012127, OMIM 608807.
Dilated cardiomyopathy 1G (CMD1G). Identifiers: Orphanet 154, MedGen C1858763, MONDO:0011400, OMIM 604145.
Early-onset myopathy with fatal cardiomyopathy (CMYO5). Also called: CONGENITAL MYOPATHY 5 WITH CARDIOMYOPATHY; Salih Myopathy. Identifiers: Orphanet 289377, MedGen C2673677, MONDO:0012714, OMIM 611705. Disease mechanism: loss of function.
Myopathy, myofibrillar, 9, with early respiratory failure (MFM9). Also called: Myopathy, distal, with early respiratory failure, autosomal dominant; Hereditary myopathy with early respiratory failure; EDSTROM MYOPATHY; MYOPATHY, PROXIMAL, WITH EARLY RESPIRATORY MUSCLE INVOLVEMENT. Identifiers: Orphanet 178464, Orphanet 34521, MedGen C1863599, MONDO:0011362, OMIM 603689.
Tibial muscular dystrophy (TMD). Also called: Tibial muscular dystrophy, tardive; Udd Distal Myopathy – Tibial Muscular Dystrophy; UDD MYOPATHY. Identifiers: Orphanet 609, MedGen C1838244, MONDO:0010870, OMIM 600334.

Allele frequency attached by ClinVar (database versions not stated): 1000 Genomes Project 30x 0.00047; ExAC 0.00009; TOPMed 0.00021; 1000 Genomes Project 0.00060; ESP Exome Variant Server 0.00008; gnomAD 0.00011.
gnomAD v4.1: 112 of 1,612,888 alleles (0.0069%); highest among the groups gnomAD compares: East Asian, 0.058%; 1 homozygote.

Submissions (15):

CeGaT Center for Human Genetics Tuebingen
Classification: Uncertain significance. Last evaluated: 2026-07-01. Review status: criteria provided, single submitter. Criteria: CeGaT Center For Human Genetics Tuebingen Variant Classification Criteria Version 2. Collection method: clinical testing. Allele origin: germline. Affected: yes. Observed: 1 variant allele.
Comment: TTN: PM2, BP4

Molecular Diagnostic Laboratory for Inherited Cardiovascular Disease, Montreal Heart Institute
Classification: Likely benign. Last evaluated: 2025-07-24. Review status: criteria provided, single submitter. Criteria: ACMG Guidelines, 2015. Collection method: clinical testing. Allele origin: germline. Affected: no.
Comment: BP1

Blueprint Genetics
Classification: Likely benign. Last evaluated: 2024-09-12. Review status: criteria provided, single submitter. Criteria: ACMG Guidelines, 2015. Collection method: clinical testing. Allele origin: germline.

Revvity Omics, Revvity
Classification: Uncertain significance. Last evaluated: 2023-11-17. Review status: criteria provided, single submitter. Criteria: ACMG Guidelines, 2015. Collection method: clinical testing. Allele origin: germline.

Women's Health and Genetics/Laboratory Corporation of America, LabCorp
Classification: Uncertain significance. Last evaluated: 2023-03-08. Review status: criteria provided, single submitter. Criteria: LabCorp Variant Classification Summary - May 2015. Collection method: clinical testing. Allele origin: germline.
Comment: Variant summary: TTN c.46981G>A (p.Val15661Met) results in a conservative amino acid change located in the A-band region of the encoded protein sequence. Four of four in-silico tools predict a benign effect of the variant on protein function. The variant allele was found at a frequency of 0.00014 in 248574 control chromosomes, predominantly at a frequency of 0.00095 within the East Asian subpopulation in the gnomAD database, including 1 homozygote. The observed variant frequency within East Asian control individuals in the gnomAD database is approximately 2-fold of the estimated maximal expected allele frequency for a pathogenic variant in TTN causing Dilated Cardiomyopathy phenotype (0.00039), suggesting that the variant is a benign polymorphism found primarily in populations of East Asian origin. Nevertheless, c.46981G>A has been reported in the literature in individuals affected with Dilated Cardiomyopathy and other cardiovascular disease (Pugh_2014, Lyu_2018, Juang_2019). These report(s) do not provide unequivocal conclusions about association of the variant with Dilated Cardiomyopathy. A co-occurrence with a pathogenic variant has been reported via internal testing (TTN c.53910delA, p.Ala17971LeufsX38), providing supporting evidence for a benign role. To our knowledge, no experimental evidence demonstrating an impact on protein function has been reported. One ClinVar submitter (evaluation after 2014) cites the variant as benign and four ClinVar submitters (evaluation after 2014) cite it as uncertain significance. Based on the evidence outlined above, the variant was classified as VUS-possibly benign.

Ambry Genetics
Classification: Uncertain significance for Cardiovascular phenotype. Last evaluated: 2018-09-21. Review status: criteria provided, single submitter. Criteria: Ambry Variant Classification Scheme 2023. Collection method: clinical testing. Allele origin: germline.
Comment: The p.V9164M variant (also known as c.27490G>A), located in coding exon 109 of the TTN gene, results from a G to A substitution at nucleotide position 27490. The valine at codon 9164 is replaced by methionine, an amino acid with highly similar properties. This alteration has been reported in two individuals with dilated cardiomyopathy (DCM) who also had other variants in cardiac-related genes (Pugh TJ et al. Genet. Med., 2014 Aug;16:601-8; Lyu Y et al. Gene, 2018 Feb;642:159-162). This amino acid position is not well conserved in available vertebrate species. In addition, this alteration is predicted to be tolerated by in silico analysis. Since supporting evidence is limited at this time, the clinical significance of this alteration remains unclear.

Illumina Laboratory Services, Illumina
Classification: Uncertain significance for Autosomal recessive limb-girdle muscular dystrophy type 2J. Last evaluated: 2018-01-13. Review status: criteria provided, single submitter. Criteria: ICSL Variant Classification Criteria 13 December 2019. Collection method: clinical testing. Allele origin: germline.

Illumina Laboratory Services, Illumina
Classification: Benign for Tibial muscular dystrophy. Last evaluated: 2018-01-13. Review status: criteria provided, single submitter. Criteria: ICSL Variant Classification Criteria 13 December 2019. Collection method: clinical testing. Allele origin: germline.
Comment: This variant was observed in the ICSL laboratory as part of a predisposition screen in an ostensibly healthy population. It had not been previously curated by ICSL or reported in the Human Gene Mutation Database (HGMD: prior to June 1st, 2018), and was therefore a candidate for classification through an automated scoring system. Utilizing variant allele frequency, disease prevalence and penetrance estimates, and inheritance mode, an automated score was calculated to assess if this variant is too frequent to cause the disease. Based on the score and internal cut-off values, a variant classified as benign is not then subjected to further curation. The score for this variant resulted in a classification of benign for this disease.

Illumina Laboratory Services, Illumina
Classification: Benign for Myopathy, myofibrillar, 9, with early respiratory failure. Last evaluated: 2018-01-13. Review status: criteria provided, single submitter. Criteria: ICSL Variant Classification Criteria 13 December 2019. Collection method: clinical testing. Allele origin: germline.
Comment: the same text as in the submission from Illumina Laboratory Services, Illumina above.

Illumina Laboratory Services, Illumina
Classification: Uncertain significance for Early-onset myopathy with fatal cardiomyopathy. Last evaluated: 2018-01-13. Review status: criteria provided, single submitter. Criteria: ICSL Variant Classification Criteria 13 December 2019. Collection method: clinical testing. Allele origin: germline.

Illumina Laboratory Services, Illumina
Classification: Uncertain significance for Dilated cardiomyopathy 1G. Last evaluated: 2018-01-13. Review status: criteria provided, single submitter. Criteria: ICSL Variant Classification Criteria 13 December 2019. Collection method: clinical testing. Allele origin: germline.

Labcorp Genetics (formerly Invitae), Labcorp
Classification: Uncertain significance for Dilated cardiomyopathy 1G; Autosomal recessive limb-girdle muscular dystrophy type 2J. Last evaluated: 2016-12-03. Review status: criteria provided, single submitter. Criteria: Invitae Variant Classification Sherloc (09022015). Collection method: clinical testing. Allele origin: germline.

Laboratory for Molecular Medicine, Mass General Brigham Personalized Medicine
Classification: Uncertain significance. Last evaluated: 2012-08-14. Review status: criteria provided, single submitter. Criteria: LMM Criteria. Collection method: clinical testing. Allele origin: germline. Observed: 1 variant allele.
Comment: The Val15661Met variant in TTN has been identified in 1/8252 European American c hromosomes from a broad population by the NHLBI Exome Sequencing Project and in 1/176 Yoruban (Nigerian) chromosomes from a b road population by the 1000 Genomes project (dbSNP rs116142642), though they may represent presymptomatic individuals. Computational analyses (biochemical amino acid properties, conservation, AlignGVGD, PolyPhen2, and SIFT) do not provide s trong support for or against an impact to the protein. Additional information is needed to fully assess the variant's clinical significance.

Clinical Genetics DNA and cytogenetics Diagnostics Lab, Erasmus MC, Erasmus Medical Center
Classification: Uncertain significance. Review status: no assertion criteria provided. Collection method: clinical testing. Allele origin: germline. Affected: yes. Study: VKGL Data-share Consensus. Not counted in ClinVar's aggregate classification.

Clinical Genetics, Academic Medical Center
Classification: Uncertain significance. Review status: no assertion criteria provided. Collection method: clinical testing. Allele origin: germline. Affected: yes. Study: VKGL Data-share Consensus. Not counted in ClinVar's aggregate classification.

Literature cited by the submitters: PubMed 24503780 (cited by Women's Health and Genetics/Laboratory Corporation of America, LabCorp and Ambry Genetics); PubMed 30662066 (cited by Women's Health and Genetics/Laboratory Corporation of America, LabCorp); PubMed 29109008 (cited by Women's Health and Genetics/Laboratory Corporation of America, LabCorp and Ambry Genetics).